The following is an entry in ClinVar:

NM_000543.5(SMPD1):c.1562T>G (p.Leu521Arg)

Gene: SMPD1 (sphingomyelin phosphodiesterase 1; plus strand). Cytogenetic location: 11p15.4.
Variant type: single nucleotide variant.
Coding change: c.1562T>G on transcript NM_000543.5 (MANE Select); coding-DNA position 1562, T replaced by G.
Protein change: p.Leu521Arg; replaces leucine 521 with arginine.
Molecular consequence: missense variant. On other transcripts: 3 prime UTR variant (1), non-coding transcript variant (2).
Genome position (GRCh38, 1-based): chr11:6,394,273, T>G. VCF-style: chr11-6394273-T-G. GRCh37 (hg19) VCF-style: chr11-6415503-T-G.
Other names: p.Leu521Arg; c.1559T>G, p.Leu520Arg (NM_001007593.3); c.*55T>G (NM_001318087.2); c.641T>G, p.Leu214Arg (NM_001318088.2); c.1430T>G, p.Leu477Arg (NM_001365135.2); short protein forms L521R, L214R, L477R, L520R.
Identifiers: ClinVar variation 372512 (VCV000372512.3), dbSNP rs1057517826, ClinGen allele CA16042855.

ClinVar aggregate classification (germline): Likely pathogenic. Review status: criteria provided, multiple submitters, no conflicts (2 of 4 stars). 2 submissions from 2 submitters: Likely pathogenic (2). Last evaluated 2021-03-30.

Conditions:
Niemann-Pick disease, type A. Also called: SPHINGOMYELIN LIPIDOSIS; SPHINGOMYELINASE DEFICIENCY; Infantile Neurovisceral ASMD (Niemann-Pick Disease Type A; NPD-A). Identifiers: Orphanet 77292, MedGen C0268242, MONDO:0009756, OMIM 257200. Disease mechanism: loss of function.

Submissions (2):

Breakthrough Genomics
Classification: Likely pathogenic for Niemann-Pick disease, type A. Last evaluated: 2021-03-30. Review status: criteria provided, single submitter. Criteria: ACMG Guidelines, 2015. Collection method: clinical testing. Allele origin: germline. Affected: yes.
Comment: This variant is predicted to be damaging by in-silico missense prediction tools (SIFT and Polyphen2). The variant has not been previously reported in individuals with SMPD1-related disorders. However, several other missense variants in the vicinity of identified variant have been previously reported as ‘likely pathogenic’ in the context of Niemann-Pick disease, type A and type B in ClinVar database.

GeneDx
Classification: Likely pathogenic. Last evaluated: 2015-08-11. Review status: criteria provided, single submitter. Criteria: GeneDx Variant Classification (06012015). Collection method: clinical testing. Allele origin: germline. Affected: yes.
Comment: The L521R variant has not been published as a pathogenic variant, nor has it been reported as a benignpolymorphism to our knowledge. The L521R variant is a non-conservative amino acid substitution, which islikely to impact secondary protein structure as these residues differ in polarity, charge, size and/or otherproperties. This substitution occurs at a position where amino acids with similar properties to Leucine aretolerated across species. In silico analysis predicts this variant is probably damaging to the proteinstructure/function. Furthermore, missense variants in nearby residues (H516Q, E517V, Y519C, N522S,Q525H) have been reported in the Human Gene Mutation Database in association with Niemann-Pick disease(Stenson et al., 2014), supporting the functional importance of this region of the protein. Therefore, thisvariant is a strong candidate for a pathogenic variant, however the possibility that it is a benign variantcannot be excluded.